The following is an entry in ClinVar:

ClinVar aggregate classification (germline): Uncertain significance. Review status: criteria provided, multiple submitters, no conflicts (2 of 4 stars). 2 submissions from 2 submitters: Uncertain significance (2). Last evaluated 2025-10-02.

Conditions:
Age related macular degeneration 4. Identifiers: MedGen C1853147, MONDO:0012540, OMIM 610698.

gnomAD v4.1: 1 of 1,612,836 alleles (0.000062%); highest among the groups gnomAD compares: East Asian, 0.0022%; no homozygotes.

Submissions (2):

Genomenon, Inc
Classification: Uncertain significance for Age related macular degeneration 4. Last evaluated: 2025-10-02. Review status: criteria provided, single submitter. Criteria: Genomenon Sequence Variant Interpretation Standards - Updated. Collection method: curation. Allele origin: germline. Affected: yes.
Comment: CFH p.Val108Ile (c.322G>A) is a missense variant that changes the amino acid at residue 108 from Valine to Isoleucine. This variant has been observed in at least one proband affected with age-related macular degeneration (PMID:34508573). Functional studies have been reported (PMID:34508573). It is absent or not present at a significant frequency in gnomAD. In silico models agree that this variant is not damaging. In conclusion, we classify CFH p.Val108Ile (c.322G>A) as a variant of uncertain significance.

CeGaT Center for Human Genetics Tuebingen
Classification: Uncertain significance. Last evaluated: 2024-10-01. Review status: criteria provided, single submitter. Criteria: CeGaT Center For Human Genetics Tuebingen Variant Classification Criteria Version 2. Collection method: clinical testing. Allele origin: germline. Affected: yes. Observed: 1 variant allele.
Comment: CFH: PM2, BP4

Literature cited by the submitters: PubMed 34508573 (cited by Genomenon, Inc).

NM_000186.4(CFH):c.322G>A (p.Val108Ile)

Gene: CFH (complement factor H; plus strand). Cytogenetic location: 1q31.3.
Variant type: single nucleotide variant.
Coding change: c.322G>A on transcript NM_000186.4 (MANE Select); coding-DNA position 322, G replaced by A.
Protein change: p.Val108Ile; replaces valine 108 with isoleucine.
Molecular consequence: missense variant.
Genome position (GRCh38, 1-based): chr1:196,673,934, G>A. VCF-style: chr1-196673934-G-A. GRCh37 (hg19) VCF-style: chr1-196643064-G-A.
Other names: c.322G>A, p.Val108Ile (NM_001014975.3); short protein forms V108I.
Identifiers: ClinVar variation 3389446 (VCV003389446.14).